The following is an entry in ClinVar:

NM_000219.6(KCNE1):c.348A>T (p.Glu116Asp)

Gene: KCNE1 (potassium voltage-gated channel subfamily E regulatory subunit 1; minus strand). Cytogenetic location: 21q22.12.
Variant type: single nucleotide variant.
Coding change: c.348A>T on transcript NM_000219.6 (MANE Select); coding-DNA position 348, A replaced by T.
Protein change: p.Glu116Asp; replaces glutamic acid 116 with aspartic acid.
Molecular consequence: missense variant.
Genome position (GRCh38, 1-based): chr21:34,449,287, T>A on the plus strand (A>T on the coding strand, the complement: KCNE1 is on the minus strand). VCF-style: chr21-34449287-T-A. GRCh37 (hg19) VCF-style: chr21-35821585-T-A.
Other names: c.348A>T, p.Glu116Asp (NM_001127668.4, NM_001127669.4, NM_001127670.4 and 4 more transcripts); short protein forms E116D.
Identifiers: ClinVar variation 3373790 (VCV003373790.2).

Conditions:
Long QT syndrome 5 (LQT5). Identifiers: Orphanet 101016, Orphanet 768, MedGen C1867904, MONDO:0013372, OMIM 613695.

Submission:

Roden Lab, Vanderbilt University Medical Center
No classification provided (evidence only). Condition: Long QT syndrome 5. Review status: no classification provided. Collection method: in vitro. Allele origin: not applicable. Functional consequence: Effect on ion channel function.
ClinVar note: "not provided" was previously submitted as the classification for the variant. However, the classification appeared to be based only on an observation of functional data so it was converted to no classification on 2025-07-30.